The following is an entry in ClinVar:

NM_139276.3(STAT3):c.1270G>A (p.Ala424Thr)

Gene: STAT3 (signal transducer and activator of transcription 3; minus strand). Cytogenetic location: 17q21.2.
Variant type: single nucleotide variant.
Coding change: c.1270G>A on transcript NM_139276.3 (MANE Select); coding-DNA position 1270, G replaced by A.
Protein change: p.Ala424Thr; replaces alanine 424 with threonine.
Molecular consequence: missense variant.
Genome position (GRCh38, 1-based): chr17:42,329,421, C>T on the plus strand (G>A on the coding strand, the complement: STAT3 is on the minus strand). VCF-style: chr17-42329421-C-T. GRCh37 (hg19) VCF-style: chr17-40481439-C-T.
Other names: p.Ala424Thr; c.1270G>A, p.Ala424Thr (NM_001369512.1, NM_001369513.1, NM_001369514.1 and 12 more transcripts); c.1192G>A, p.Ala398Thr (NM_001384985.1); c.1285G>A, p.Ala429Thr (NM_001384986.1, NM_001384990.1); c.1174G>A, p.Ala392Thr (NM_001384989.1); c.1210G>A, p.Ala404Thr (NM_001384992.1); short protein forms A392T, A398T, A404T, A424T, A429T.
Identifiers: ClinVar variation 2683418 (VCV002683418.1), dbSNP rs1471859658, ClinGen allele CA399588442.

ClinVar aggregate classification (germline): Uncertain significance (1 of 4 stars; one submission).

Allele frequency attached by ClinVar (database versions not stated): gnomAD exomes below 0.00001.
gnomAD v4.1: 1 of 1,614,078 alleles (0.000062%); highest among the groups gnomAD compares: Admixed American, 0.0017%; no homozygotes.

Submission:

Mayo Clinic Laboratories, Mayo Clinic
Classification: Uncertain significance. Last evaluated: 2022-10-12. Review status: criteria provided, single submitter. Criteria: ACMG Guidelines, 2015. Collection method: clinical testing. Allele origin: germline. Observed: 1 variant allele.
Comment: PP2